The following is an entry in ClinVar:

NM_001376.5(DYNC1H1):c.13712A>C (p.Asn4571Thr)

Gene: DYNC1H1 (dynein cytoplasmic 1 heavy chain 1; plus strand). Cytogenetic location: 14q32.31.
Variant type: single nucleotide variant.
Coding change: c.13712A>C on transcript NM_001376.5 (MANE Select); coding-DNA position 13712, A replaced by C.
Protein change: p.Asn4571Thr; replaces asparagine 4571 with threonine.
Molecular consequence: missense variant.
Genome position (GRCh38, 1-based): chr14:102,050,098, A>C. VCF-style: chr14-102050098-A-C. GRCh37 (hg19) VCF-style: chr14-102516435-A-C.
Other names: short protein forms N4571T.
Identifiers: ClinVar variation 4802092 (VCV004802092.1).

ClinVar aggregate classification (germline): Uncertain significance (1 of 4 stars; one submission).

Conditions:
Charcot-Marie-Tooth disease axonal type 2O. Also called: CHARCOT-MARIE-TOOTH NEUROPATHY, AXONAL, TYPE 2O; CHARCOT-MARIE-TOOTH DISEASE, AXONAL, AUTOSOMAL DOMINANT, TYPE 2O; Charcot-Marie-Tooth Neuropathy Type 2O; Charcot-Marie-Tooth disease, axonal, type 20. Identifiers: Orphanet 284232, MedGen C3280220, MONDO:0013644, OMIM 614228.

Submission:

Labcorp Genetics (formerly Invitae), Labcorp
Classification: Uncertain significance for Charcot-Marie-Tooth disease axonal type 2O. Last evaluated: 2025-05-22. Review status: criteria provided, single submitter. Criteria: Invitae Variant Classification Sherloc (09022015). Collection method: clinical testing. Allele origin: germline.
Comment: This sequence change replaces asparagine, which is neutral and polar, with threonine, which is neutral and polar, at codon 4571 of the DYNC1H1 protein (p.Asn4571Thr). This variant is not present in population databases (gnomAD no frequency). This variant has not been reported in the literature in individuals affected with DYNC1H1-related conditions. Invitae Evidence Modeling of protein sequence and biophysical properties (such as structural, functional, and spatial information, amino acid conservation, physicochemical variation, residue mobility, and thermodynamic stability) indicates that this missense variant is not expected to disrupt DYNC1H1 protein function with a negative predictive value of 95%. In summary, the available evidence is currently insufficient to determine the role of this variant in disease. Therefore, it has been classified as a Variant of Uncertain Significance.